The following is an entry in ClinVar:

NM_016816.4(OAS1):c.885-14A>G

Gene: OAS1 (2'-5'-oligoadenylate synthetase 1; plus strand). Cytogenetic location: 12q24.13.
Variant type: single nucleotide variant.
Coding change: c.885-14A>G on transcript NM_016816.4 (MANE Select); 14 bases into the intron before coding-DNA position 885, A replaced by G.
Molecular consequence: intron variant.
Genome position (GRCh38, 1-based): chr12:112,917,533, A>G. VCF-style: chr12-112917533-A-G. GRCh37 (hg19) VCF-style: chr12-113355338-A-G.
Other names: c.885-14A>G (NM_001320151.2, NM_001406022.1, NM_001032409.3 and 1 more transcripts); c.861-14A>G (NM_001406025.1, NM_001406024.1, NM_001406023.1 and 2 more transcripts); c.411-14A>G (NM_001406030.1, NM_001406029.1, NM_001406027.1 and 1 more transcripts).
Identifiers: ClinVar variation 3684591 (VCV003684591.2).

ClinVar aggregate classification (germline): Uncertain significance (1 of 4 stars; one submission).

Submission:

Labcorp Genetics (formerly Invitae), Labcorp
Classification: Uncertain significance. Last evaluated: 2024-03-30. Review status: criteria provided, single submitter. Criteria: Invitae Variant Classification Sherloc (09022015). Collection method: clinical testing. Allele origin: germline.
Comment: This sequence change falls in intron 4 of the OAS1 gene. It does not directly change the encoded amino acid sequence of the OAS1 protein. This variant is present in population databases (rs761424817, gnomAD 0.0009%). This variant has not been reported in the literature in individuals affected with OAS1-related conditions. Algorithms developed to predict the effect of sequence changes on RNA splicing suggest that this variant may disrupt the consensus splice site. In summary, the available evidence is currently insufficient to determine the role of this variant in disease. Therefore, it has been classified as a Variant of Uncertain Significance.